The following is an entry in ClinVar:

NM_152490.5(B3GALNT2):c.1290G>A (p.Ser430=)

Gene: B3GALNT2 (beta-1,3-N-acetylgalactosaminyltransferase 2; minus strand). Cytogenetic location: 1q42.3.
Variant type: single nucleotide variant.
Coding change: c.1290G>A on transcript NM_152490.5 (MANE Select); coding-DNA position 1290, G replaced by A.
Protein change: p.Ser430=; no amino-acid change (serine 430 retained).
Molecular consequence: synonymous variant.
Genome position (GRCh38, 1-based): chr1:235,454,177, C>T on the plus strand (G>A on the coding strand, the complement: B3GALNT2 is on the minus strand). VCF-style: chr1-235454177-C-T. GRCh37 (hg19) VCF-style: chr1-235617489-C-T.
Identifiers: ClinVar variation 704560 (VCV000704560.11), dbSNP rs1572482699, ClinGen allele CA423773591.

ClinVar aggregate classification (germline): Likely benign. Review status: criteria provided, multiple submitters, no conflicts (2 of 4 stars). 4 submissions from 4 submitters: Likely benign (4). Last evaluated 2025-12-15.

Conditions:
Muscular dystrophy-dystroglycanopathy (congenital with brain and eye anomalies), type a, 11 (MDDGA11). Also called: Muscular dystrophy-dystroglycanopathy (congenital with brain and eye anomalies, type A, 11; WALKER-WARBURG SYNDROME OR MUSCLE-EYE-BRAIN DISEASE, B3GALNT2-RELATED; Congenital muscular dystrophy-dystroglycanopathy with brain and eye anomalies, type A11. Identifiers: Orphanet 588, Orphanet 899, MedGen C3554638, MONDO:0014071, OMIM 615181.
B3GALNT2-related disorder. Also called: B3GALNT2-related condition.

Allele frequency attached by ClinVar (database versions not stated): gnomAD exomes below 0.00001.
gnomAD v4.1: 5 of 1,611,578 alleles (0.00031%); highest among the groups gnomAD compares: African/African-American, 0.0013%; no homozygotes.

Submissions (4):

PreventionGenetics, part of Exact Sciences
Classification: Likely benign for B3GALNT2-related condition. Last evaluated: 2025-12-15. Review status: criteria provided, single submitter. Criteria: ACMG Guidelines, 2015. Collection method: clinical testing. Allele origin: germline.
Comment: This variant is classified as likely benign based on ACMG/AMP sequence variant interpretation guidelines (Richards et al. 2015 PMID: 25741868, with internal and published modifications).

Labcorp Genetics (formerly Invitae), Labcorp
Classification: Likely benign for Muscular dystrophy-dystroglycanopathy (congenital with brain and eye anomalies), type a, 11. Last evaluated: 2025-10-26. Review status: criteria provided, single submitter. Criteria: Invitae Variant Classification Sherloc (09022015). Collection method: clinical testing. Allele origin: germline.

Women's Health and Genetics/Laboratory Corporation of America, LabCorp
Classification: Likely benign. Last evaluated: 2024-11-04. Review status: criteria provided, single submitter. Criteria: LabCorp Variant Classification Summary - May 2015. Collection method: clinical testing. Allele origin: germline.

GeneDx
Classification: Likely benign. Last evaluated: 2020-12-03. Review status: criteria provided, single submitter. Criteria: GeneDx Variant Classification Process June 2021. Collection method: clinical testing. Allele origin: germline. Affected: yes.